The following is an entry in ClinVar:

ClinVar aggregate classification (germline): Uncertain significance. Review status: criteria provided, multiple submitters, no conflicts (2 of 4 stars). 2 submissions from 2 submitters: Uncertain significance (2). Last evaluated 2024-11-29.

Allele frequency attached by ClinVar (database versions not stated): gnomAD exomes 0.00010; 1000 Genomes Project 30x 0.00062; 1000 Genomes Project 0.00060; ESP Exome Variant Server 0.00023; gnomAD 0.00033; ExAC 0.00028.
gnomAD v4.1: 206 of 1,611,940 alleles (0.013%); highest among the groups gnomAD compares: Admixed American, 0.14%; no homozygotes.

Submissions (3):

Labcorp Genetics (formerly Invitae), Labcorp
Classification: Uncertain significance. Last evaluated: 2024-11-29. Review status: criteria provided, single submitter. Criteria: Invitae Variant Classification Sherloc (09022015). Collection method: clinical testing. Allele origin: germline.
Comment: This sequence change replaces alanine, which is neutral and non-polar, with valine, which is neutral and non-polar, at codon 117 of the ADGRB2 protein (p.Ala117Val). This variant is present in population databases (rs145025368, gnomAD 0.2%), and has an allele count higher than expected for a pathogenic variant. This variant has not been reported in the literature in individuals affected with ADGRB2-related conditions. ClinVar contains an entry for this variant (Variation ID: 2069941). An algorithm developed to predict the effect of missense changes on protein structure and function outputs the following: PolyPhen-2: "Not Available". The valine amino acid residue is found in multiple mammalian species, which suggests that this missense change does not adversely affect protein function. In summary, the available evidence is currently insufficient to determine the role of this variant in disease. Therefore, it has been classified as a Variant of Uncertain Significance.

Ambry Genetics
Classification: Uncertain significance. Last evaluated: 2022-09-07. Review status: criteria provided, single submitter. Criteria: Ambry Variant Classification Scheme 2023. Collection method: clinical testing. Allele origin: germline.

Dr. Peter K. Rogan Lab, Western University
No classification provided (evidence only). Condition: Lung cancer. Review status: no classification provided. Collection method: in vitro. Allele origin: not applicable. Functional consequence: retained intron. Not counted in ClinVar's aggregate classification.

NM_001364857.2(ADGRB2):c.350C>T (p.Ala117Val)

Gene: ADGRB2 (adhesion G protein-coupled receptor B2; minus strand). Cytogenetic location: 1p35.2.
Variant type: single nucleotide variant.
Coding change: c.350C>T on transcript NM_001364857.2 (MANE Select); coding-DNA position 350, C replaced by T.
Protein change: p.Ala117Val; replaces alanine 117 with valine.
Molecular consequence: missense variant.
Genome position (GRCh38, 1-based): chr1:31,756,487, G>A on the plus strand (C>T on the coding strand, the complement: ADGRB2 is on the minus strand). VCF-style: chr1-31756487-G-A. GRCh37 (hg19) VCF-style: chr1-32222088-G-A.
Other names: c.350C>T, p.Ala117Val (NM_001294335.2, NM_001294336.2, NM_001703.2); short protein forms A117V.
Identifiers: ClinVar variation 2069941 (VCV002069941.6), dbSNP rs145025368, ClinGen allele CA736180.